The following is an entry in ClinVar:

ClinVar aggregate classification (germline): Uncertain significance. Review status: criteria provided, multiple submitters, no conflicts (2 of 4 stars). 2 submissions from 2 submitters: Uncertain significance (2). Last evaluated 2024-02-06.

Allele frequency attached by ClinVar (database versions not stated): gnomAD exomes 0.00001; TOPMed 0.00001; gnomAD 0.00002.
gnomAD v4.1: 21 of 1,567,606 alleles (0.0013%); highest among the groups gnomAD compares: Admixed American, 0.021%; no homozygotes.

Submissions (2):

Ambry Genetics
Classification: Uncertain significance. Last evaluated: 2024-02-06. Review status: criteria provided, single submitter. Criteria: Ambry Variant Classification Scheme 2023. Collection method: clinical testing. Allele origin: germline.

Labcorp Genetics (formerly Invitae), Labcorp
Classification: Uncertain significance. Last evaluated: 2023-08-10. Review status: criteria provided, single submitter. Criteria: Invitae Variant Classification Sherloc (09022015). Collection method: clinical testing. Allele origin: germline.
Comment: An algorithm developed to predict the effect of missense changes on protein structure and function (PolyPhen-2) suggests that this variant is likely to be disruptive. In summary, the available evidence is currently insufficient to determine the role of this variant in disease. Therefore, it has been classified as a Variant of Uncertain Significance. ClinVar contains an entry for this variant (Variation ID: 1501501). This variant has not been reported in the literature in individuals affected with EPS8L2-related conditions. This variant is present in population databases (rs765791947, gnomAD 0.02%). This sequence change replaces lysine, which is basic and polar, with arginine, which is basic and polar, at codon 640 of the EPS8L2 protein (p.Lys640Arg).

NM_022772.4(EPS8L2):c.1919A>G (p.Lys640Arg)

Gene: EPS8L2 (EPS8 signaling adaptor L2; plus strand). Cytogenetic location: 11p15.5.
Variant type: single nucleotide variant.
Coding change: c.1919A>G on transcript NM_022772.4 (MANE Select); coding-DNA position 1919, A replaced by G.
Protein change: p.Lys640Arg; replaces lysine 640 with arginine.
Molecular consequence: missense variant.
Genome position (GRCh38, 1-based): chr11:726,469, A>G. VCF-style: chr11-726469-A-G. GRCh37 (hg19) VCF-style: chr11-726469-A-G.
Other names: c.1919A>G (NM_022772.3); short protein forms K640R.
Identifiers: ClinVar variation 1501501 (VCV001501501.7), dbSNP rs765791947, ClinGen allele CA5787825.
Genomic context (GRCh38, chr11:726,469, plus strand): 5'-TGAGCCAGCCGCTCACCTACGAGTCGGGTCCGGACGAGGTCCGCGCCTGGCTGGAAGCCA[A>G]GGCCTTCAGCCCGCGGTGAGCGGGGGCGGGGGATGAGCTGGGGCCCGGGCGAGGGGTGGG-3'
Protein context (NP_073609.2, residues 630-650): PDEVRAWLEA[Lys640Arg]AFSPRIVENL